The following is an entry in ClinVar:

ClinVar aggregate classification (germline): Uncertain significance. Review status: criteria provided, multiple submitters, no conflicts (2 of 4 stars). 3 submissions from 3 submitters: Uncertain significance (3). Last evaluated 2026-03-21.

Conditions:
Familial thoracic aortic aneurysm and aortic dissection (TAAD). Also called: Thoracic aortic aneurysms and dissections. Identifiers: Orphanet 91387, MedGen C4707243, MONDO:0019625.
Aortic aneurysm, familial thoracic 8 (AAT8). Identifiers: MedGen C3809513, MONDO:0014187, OMIM 615436.

Allele frequency attached by ClinVar (database versions not stated): gnomAD exomes below 0.00001.
gnomAD v4.1: 1 of 1,611,652 alleles (0.000062%); highest among the groups gnomAD compares: Non-Finnish European, 0.000085%; no homozygotes.

Submissions (3):

Ambry Genetics
Classification: Uncertain significance for Familial thoracic aortic aneurysm and aortic dissection. Last evaluated: 2026-03-21. Review status: criteria provided, single submitter. Criteria: Ambry Variant Classification Scheme 2023. Collection method: clinical testing. Allele origin: germline.
Comment: The p.D334N variant (also known as c.1000G>A), located in coding exon 8 of the PRKG1 gene, results from a G to A substitution at nucleotide position 1000. The aspartic acid at codon 334 is replaced by asparagine, an amino acid with highly similar properties. This amino acid position is conserved. In addition, the in silico prediction for this alteration is inconclusive. Based on the available evidence, the clinical significance of this variant remains unclear.

Labcorp Genetics (formerly Invitae), Labcorp
Classification: Uncertain significance for Aortic aneurysm, familial thoracic 8. Last evaluated: 2024-10-28. Review status: criteria provided, single submitter. Criteria: Invitae Variant Classification Sherloc (09022015). Collection method: clinical testing. Allele origin: germline.
Comment: This sequence change replaces aspartic acid, which is acidic and polar, with asparagine, which is neutral and polar, at codon 334 of the PRKG1 protein (p.Asp334Asn). This variant is not present in population databases (gnomAD no frequency). This variant has not been reported in the literature in individuals affected with PRKG1-related conditions. ClinVar contains an entry for this variant (Variation ID: 1314197). An algorithm developed to predict the effect of missense changes on protein structure and function (PolyPhen-2) suggests that this variant is likely to be tolerated. In summary, the available evidence is currently insufficient to determine the role of this variant in disease. Therefore, it has been classified as a Variant of Uncertain Significance.

GeneDx
Classification: Uncertain significance. Last evaluated: 2021-03-12. Review status: criteria provided, single submitter. Criteria: GeneDx Variant Classification Process June 2021. Collection method: clinical testing. Allele origin: germline. Affected: yes.
Comment: Has not been previously published as pathogenic or benign to our knowledge; Not observed in large population cohorts (Lek et al., 2016); In silico analysis supports that this missense variant does not alter protein structure/function

NM_006258.4(PRKG1):c.1000G>A (p.Asp334Asn)

Gene: PRKG1 (protein kinase cGMP-dependent 1; plus strand). Cytogenetic location: 10q21.1.
Variant type: single nucleotide variant.
Coding change: c.1000G>A on transcript NM_006258.4 (MANE Select); coding-DNA position 1000, G replaced by A.
Protein change: p.Asp334Asn; replaces aspartic acid 334 with asparagine.
Molecular consequence: missense variant. On other transcripts: 5 prime UTR variant (1).
Genome position (GRCh38, 1-based): chr10:52,133,904, G>A. VCF-style: chr10-52133904-G-A. GRCh37 (hg19) VCF-style: chr10-53893664-G-A.
Other names: c.955G>A, p.Asp319Asn (NM_001098512.3); c.-210G>A (NM_001374781.1); short protein forms D319N, D334N.
Identifiers: ClinVar variation 1314197 (VCV001314197.10), dbSNP rs2132635326, ClinGen allele CA376534413.